The following is an entry in ClinVar:

NM_001114753.3(ENG):c.67+2T>C

Gene: ENG (endoglin; minus strand). Cytogenetic location: 9q34.11.
Variant type: single nucleotide variant.
Coding change: c.67+2T>C on transcript NM_001114753.3 (MANE Select); the canonical splice donor site of the intron after coding-DNA position 67, T replaced by C.
Molecular consequence: splice donor variant.
Genome position (GRCh38, 1-based): chr9:127,854,287, A>G on the plus strand (T>C on the coding strand, the complement: ENG is on the minus strand). VCF-style: chr9-127854287-A-G. GRCh37 (hg19) VCF-style: chr9-130616566-A-G.
Other names: c.67+2T>C (NM_000118.4, NM_001406715.1).
Identifiers: ClinVar variation 1343359 (VCV001343359.13), dbSNP rs2131936480, ClinGen allele CA374989483.
Genomic context (GRCh38, chr9:127,854,287, plus strand): 5'-CTTGGGGCCTGGTCCGTGCACCGGAGGCCGAGTCTCCCCACCCTGGGTCCCTGGACACCT[A>G]CTTGTGGGGCTGAGGCTGCAGCTGGCCAGCAGCAGGGCAACAGCCAGAGGGAGCGTGCCG-3'

ClinVar aggregate classification (germline): Pathogenic/Likely pathogenic. Review status: criteria provided, multiple submitters, no conflicts (2 of 4 stars). 3 submissions from 3 submitters: Pathogenic (2); Likely pathogenic (1). Last evaluated 2022-10-27.

Conditions:
Hereditary hemorrhagic telangiectasia (HHT). Also called: ORW DISEASE; Osler Weber Rendu syndrome; OSLER-RENDU-WEBER DISEASE; Osler hemorrhagic telangiectasia syndrome. Identifiers: Orphanet 774, MedGen C0039445, MONDO:0019180. Disease mechanism: loss of function.
Cardiovascular phenotype. Identifiers: MedGen CN230736.

Submissions (3):

Ambry Genetics
Classification: Likely pathogenic for Cardiovascular phenotype. Last evaluated: 2022-10-27. Review status: criteria provided, single submitter. Criteria: Ambry Variant Classification Scheme 2023. Collection method: clinical testing. Allele origin: germline.
Comment: The c.67+2T>C intronic variant results from a T to C substitution two nucleotides after coding exon 1 in the ENG gene. This variant has also been detected in an HHT cohort in the literature; however, details were limited (Giordano P et al. J Pediatr. 2013 Jul;163(1):179-86.e1-3). This variant is considered to be rare based on population cohorts in the Genome Aggregation Database (gnomAD). This nucleotide position is highly conserved in available vertebrate species. In silico splice site analysis predicts that this alteration will weaken the native splice donor site and will result in the creation or strengthening of a novel splice donor site. Alterations that disrupt the canonical splice site are expected to cause aberrant splicing, resulting in an abnormal protein or a transcript that is subject to nonsense-mediated mRNA decay. As such, this alteration is classified as likely pathogenic.

Labcorp Genetics (formerly Invitae), Labcorp
Classification: Pathogenic for Hereditary hemorrhagic telangiectasia. Last evaluated: 2022-09-01. Review status: criteria provided, single submitter. Criteria: Invitae Variant Classification Sherloc (09022015). Collection method: clinical testing. Allele origin: germline.
Comment: For these reasons, this variant has been classified as Pathogenic. Algorithms developed to predict the effect of sequence changes on RNA splicing suggest that this variant may disrupt the consensus splice site. ClinVar contains an entry for this variant (Variation ID: 1343359). Disruption of this splice site has been observed in individuals with hereditary hemorrhagic telangiectasia (PMID: 22991266, 23535011). This variant is not present in population databases (gnomAD no frequency). This sequence change affects a donor splice site in intron 1 of the ENG gene. It is expected to disrupt RNA splicing. Variants that disrupt the donor or acceptor splice site typically lead to a loss of protein function (PMID: 16199547), and loss-of-function variants in ENG are known to be pathogenic (PMID: 15879500).

Mayo Clinic Laboratories, Mayo Clinic
Classification: Pathogenic. Last evaluated: 2021-04-22. Review status: criteria provided, single submitter. Criteria: ACMG Guidelines, 2015. Collection method: clinical testing. Allele origin: germline.
Comment: PVS1, PM2, PP4

Literature cited by the submitters: PubMed 23535011 (cited by 3 submitters); PubMed 22991266 (cited by Labcorp Genetics (formerly Invitae), Labcorp); PubMed 16199547 (cited by Labcorp Genetics (formerly Invitae), Labcorp); PubMed 15879500 (cited by Labcorp Genetics (formerly Invitae), Labcorp).